The following is an entry in ClinVar:

NM_152415.3(VPS37A):c.545CAA[2] (p.Thr184del)

Gene: VPS37A (VPS37A subunit of ESCRT-I; plus strand). Cytogenetic location: 8p22.
Variant type: Microsatellite.
Coding change: c.545CAA[2] on transcript NM_152415.3 (MANE Select); two copies in a row of the 3-base unit CAA starting at c.545; the reference has three copies in a row; one copy, 3 bases deleted.
Protein change: p.Thr184del; deletes threonine 184.
Molecular consequence: inframe deletion.
Genome position (GRCh38, 1-based): chr8:17,274,867-17,274,869, CAA deleted; deleting any 3 consecutive bases within chr8:17,274,861-17,274,869 gives the same sequence; the position shown is the placement nearest the transcript's 3' end. VCF-style (leftmost placement, unchanged base first): chr8-17274860-TCAA-T. GRCh37 (hg19) VCF-style: chr8-17132369-TCAA-T.
Other names: c.470CAA[2], p.Thr159del (NM_001145152.2); c.545CAA[2], p.Thr184del (NM_001363167.1, NM_001363173.2); c.275CAA[2], p.Thr94del (NM_001363168.1, NM_001363169.1, NM_001363170.1 and 2 more transcripts); short protein forms T159del, T94del, T184del.
Identifiers: ClinVar variation 2912292 (VCV002912292.3), dbSNP rs755490745, ClinGen allele CA4643351.

ClinVar aggregate classification (germline): Uncertain significance (1 of 4 stars; one submission).

Conditions:
Hereditary spastic paraplegia 53. Also called: Spastic paraplegia 53, autosomal recessive. Identifiers: Orphanet 319199, MedGen C3539494, MONDO:0013962, OMIM 614898.

Submission:

Labcorp Genetics (formerly Invitae), Labcorp
Classification: Uncertain significance for Hereditary spastic paraplegia 53. Last evaluated: 2022-12-08. Review status: criteria provided, single submitter. Criteria: Invitae Variant Classification Sherloc (09022015). Collection method: clinical testing. Allele origin: germline.
Comment: In summary, the available evidence is currently insufficient to determine the role of this variant in disease. Therefore, it has been classified as a Variant of Uncertain Significance. Experimental studies and prediction algorithms are not available or were not evaluated, and the functional significance of this variant is currently unknown. This variant has not been reported in the literature in individuals affected with VPS37A-related conditions. This variant is present in population databases (rs755490745, gnomAD 0.0009%). This variant, c.551_553del, results in the deletion of 1 amino acid(s) of the VPS37A protein (p.Thr184del), but otherwise preserves the integrity of the reading frame.